The following is an entry in ClinVar:

NM_002529.4(NTRK1):c.1501+1G>A

Gene: NTRK1 (neurotrophic receptor tyrosine kinase 1; plus strand). Cytogenetic location: 1q23.1.
Variant type: single nucleotide variant.
Coding change: c.1501+1G>A on transcript NM_002529.4 (MANE Select); the canonical splice donor site of the intron after coding-DNA position 1501, G replaced by A.
Molecular consequence: splice donor variant.
Genome position (GRCh38, 1-based): chr1:156,875,667, G>A. VCF-style: chr1-156875667-G-A. GRCh37 (hg19) VCF-style: chr1-156845459-G-A.
Other names: c.1393+1G>A (NM_001007792.1); c.1483+1G>A (NM_001012331.2).
Identifiers: ClinVar variation 1066982 (VCV001066982.11), dbSNP rs1647858636, ClinGen allele CA342937692.

ClinVar aggregate classification (germline): Conflicting classifications of pathogenicity. Review status: criteria provided, conflicting classifications (1 of 4 stars). 3 submissions from 3 submitters: Likely pathogenic (2); Likely benign (1). Last evaluated 2024-11-21.

Conditions:
Hereditary insensitivity to pain with anhidrosis (CIPA). Also called: FAMILIAL DYSAUTONOMIA, TYPE II; NEUROPATHY, CONGENITAL SENSORY, WITH ANHIDROSIS; HSAN Type IV; NTRK1 Congenital Insensitivity to Pain with Anhidrosis; INSENSITIVITY TO PAIN, CONGENITAL, WITH ANHIDROSIS; hereditary sensory and autonomic neuropathy type 4. Identifiers: Orphanet 642, MedGen C0020074, MONDO:0009746, OMIM 256800.

Allele frequency attached by ClinVar (database versions not stated): gnomAD exomes below 0.00001; TOPMed below 0.00001.
gnomAD v4.1: 4 of 1,612,476 alleles (0.00025%); highest among the groups gnomAD compares: Non-Finnish European, 0.00034%; no homozygotes.

Submissions (3):

Labcorp Genetics (formerly Invitae), Labcorp
Classification: Likely pathogenic for Hereditary insensitivity to pain with anhidrosis. Last evaluated: 2024-11-21. Review status: criteria provided, single submitter. Criteria: Invitae Variant Classification Sherloc (09022015). Collection method: clinical testing. Allele origin: germline.
Comment: This sequence change affects a donor splice site in intron 11 of the NTRK1 gene. It is expected to disrupt RNA splicing. Variants that disrupt the donor or acceptor splice site typically lead to a loss of protein function (PMID: 16199547), and loss-of-function variants in NTRK1 are known to be pathogenic (PMID: 10982191). This variant is not present in population databases (gnomAD no frequency). This variant has not been reported in the literature in individuals affected with NTRK1-related conditions. ClinVar contains an entry for this variant (Variation ID: 1066982). Algorithms developed to predict the effect of sequence changes on RNA splicing suggest that this variant may disrupt the consensus splice site. In summary, the currently available evidence indicates that the variant is pathogenic, but additional data are needed to prove that conclusively. Therefore, this variant has been classified as Likely Pathogenic.

Genome-Nilou Lab
Classification: Likely benign for Hereditary insensitivity to pain with anhidrosis. Last evaluated: 2023-04-11. Review status: criteria provided, single submitter. Criteria: ACMG Guidelines, 2015. Collection method: clinical testing. Allele origin: germline. Affected: no.

GeneDx
Classification: Likely pathogenic. Last evaluated: 2020-06-01. Review status: criteria provided, single submitter. Criteria: GeneDx Variant Classification Process June 2021. Collection method: clinical testing. Allele origin: germline. Affected: yes.
Comment: Canonical splice site variant expected to result in aberrant splicing, although in the absence of functional evidence the actual effect of this sequence change is unknown.; Not observed in large population cohorts (Lek et al., 2016); Has not been previously published as pathogenic or benign to our knowledge

Literature cited by the submitters: PubMed 16199547 (cited by Labcorp Genetics (formerly Invitae), Labcorp); PubMed 10982191 (cited by Labcorp Genetics (formerly Invitae), Labcorp).